The following is an entry in ClinVar:

NM_021830.5(TWNK):c.532A>G (p.Thr178Ala)

Gene: TWNK (twinkle mtDNA helicase; plus strand). Cytogenetic location: 10q24.31.
Variant type: single nucleotide variant.
Coding change: c.532A>G on transcript NM_021830.5 (MANE Select); coding-DNA position 532, A replaced by G.
Protein change: p.Thr178Ala; replaces threonine 178 with alanine.
Molecular consequence: missense variant. On other transcripts: non-coding transcript variant (4), intron variant (3).
Genome position (GRCh38, 1-based): chr10:100,988,742, A>G. VCF-style: chr10-100988742-A-G. GRCh37 (hg19) VCF-style: chr10-102748499-A-G.
Other names: c.532A>G, p.Thr178Ala (NM_001163812.2); c.-119-902A>G (NM_001163814.2, NM_001163813.2); c.-57-964A>G (NM_001368275.1); short protein forms T178A.
Identifiers: ClinVar variation 4745964 (VCV004745964.1).
Genomic context (GRCh38, chr10:100,988,742, plus strand): 5'-TGGAACCGAGCAATACCTCTCTGGGAGCTGCCTGATCAGGAGGAGGTTCAGCTGGCTGAT[A>G]CAATGTTTGGCCTTACCAAGGTTACAGATGACACACTCAAGCGTTTCAGTGTGCGATATC-3'
Protein context (NP_068602.2, residues 168-188): PDQEEVQLAD[Thr178Ala]MFGLTKVTDD

ClinVar aggregate classification (germline): Uncertain significance (1 of 4 stars; one submission).

Submission:

Labcorp Genetics (formerly Invitae), Labcorp
Classification: Uncertain significance. Last evaluated: 2025-09-29. Review status: criteria provided, single submitter. Criteria: Invitae Variant Classification Sherloc (09022015). Collection method: clinical testing. Allele origin: germline.
Comment: This sequence change replaces threonine, which is neutral and polar, with alanine, which is neutral and non-polar, at codon 178 of the TWNK protein (p.Thr178Ala). This variant is not present in population databases (gnomAD no frequency). This variant has not been reported in the literature in individuals affected with TWNK-related conditions. Invitae Evidence Modeling of protein sequence and biophysical properties (such as structural, functional, and spatial information, amino acid conservation, physicochemical variation, residue mobility, and thermodynamic stability) indicates that this missense variant is not expected to disrupt TWNK protein function with a negative predictive value of 95%. In summary, the available evidence is currently insufficient to determine the role of this variant in disease. Therefore, it has been classified as a Variant of Uncertain Significance.